The following is an entry in ClinVar:

NM_001085458.2(CTNND1):c.1960C>T (p.Arg654Ter)

Genes: CTNND1 (catenin delta 1; plus strand), TMX2-CTNND1 (TMX2-CTNND1 readthrough (NMD candidate); plus strand). Cytogenetic location: 11q12.1.
Variant type: single nucleotide variant.
Coding change: c.1960C>T on transcript NM_001085458.2 (MANE Select); coding-DNA position 1960, C replaced by T.
Protein change: p.Arg654Ter; replaces arginine 654 with a stop codon.
Molecular consequence: nonsense. On other transcripts: non-coding transcript variant (1).
Genome position (GRCh38, 1-based): chr11:57,806,980, C>T. VCF-style: chr11-57806980-C-T. GRCh37 (hg19) VCF-style: chr11-57574452-C-T.
Other names: c.1942C>T, p.Arg648Ter (NM_001085459.2, NM_001085460.2, NM_001085461.2 and 2 more transcripts); c.1657C>T, p.Arg553Ter (NM_001085463.2, NM_001085466.2); c.1639C>T, p.Arg547Ter (NM_001085464.2, NM_001085465.2, NM_001085467.2 and 3 more transcripts); c.1798C>T, p.Arg600Ter (NM_001206883.2, NM_001206884.2); c.1960C>T, p.Arg654Ter (NM_001206885.2); c.1780C>T, p.Arg594Ter (NM_001206886.2, NM_001206887.2, NM_001206888.2 and 2 more transcripts); short protein forms R553*, R594*, R600*, R648*, R654*, R547*.
Identifiers: ClinVar variation 3393546 (VCV003393546.1).

ClinVar aggregate classification (germline): Pathogenic (1 of 4 stars; one submission).

Submission:

GeneDx
Classification: Pathogenic. Last evaluated: 2024-07-03. Review status: criteria provided, single submitter. Criteria: GeneDx Variant Classification Process June 2021. Collection method: clinical testing. Allele origin: germline. Affected: yes.
Comment: Nonsense variant predicted to result in protein truncation or nonsense mediated decay in a gene for which loss of function is a known mechanism of disease; Not observed at significant frequency in large population cohorts (gnomAD); Has not been previously published as pathogenic or benign to our knowledge